The following is an entry in ClinVar:

NM_000432.4(MYL2):c.42C>A (p.Asn14Lys)

Genes: MYL2 (myosin light chain 2; minus strand), LOC114827850 (VISTA enhancer hs2149; plus strand). Cytogenetic location: 12q24.11.
Variant type: single nucleotide variant.
Coding change: c.42C>A on transcript NM_000432.4 (MANE Select); coding-DNA position 42, C replaced by A.
Protein change: p.Asn14Lys; replaces asparagine 14 with lysine.
Molecular consequence: missense variant.
Genome position (GRCh38, 1-based): chr12:110,919,155, G>T on the plus strand (C>A on the coding strand, the complement: MYL2 is on the minus strand). VCF-style: chr12-110919155-G-T. GRCh37 (hg19) VCF-style: chr12-111356959-G-T.
Other names: short protein forms N14K.
Identifiers: ClinVar variation 532775 (VCV000532775.11), dbSNP rs878853980, ClinGen allele CA386700300.

ClinVar aggregate classification (germline): Uncertain significance. Review status: criteria provided, multiple submitters, no conflicts (2 of 4 stars). 3 submissions from 3 submitters: Uncertain significance (3). Last evaluated 2026-01-06.

Conditions:
Hypertrophic cardiomyopathy 10. Also called: CARDIOMYOPATHY, HYPERTROPHIC, MID-LEFT VENTRICULAR CHAMBER TYPE, 2; MYL2-Related Familial Hypertrophic Cardiomyopathy. Identifiers: MedGen C1834460, MONDO:0012112, OMIM 608758.
Hypertrophic cardiomyopathy. Also called: HYPERTROPHIC MYOCARDIOPATHY. Identifiers: Orphanet 217569, MedGen C0007194, MeSH D002312, MONDO:0005045, HP:0001639.
Cardiovascular phenotype. Identifiers: MedGen CN230736.

Submissions (3):

Labcorp Genetics (formerly Invitae), Labcorp
Classification: Uncertain significance for Hypertrophic cardiomyopathy 10. Last evaluated: 2026-01-06. Review status: criteria provided, single submitter. Criteria: Invitae Variant Classification Sherloc (09022015). Collection method: clinical testing. Allele origin: germline.
Comment: This sequence change replaces asparagine, which is neutral and polar, with lysine, which is basic and polar, at codon 14 of the MYL2 protein (p.Asn14Lys). This variant is not present in population databases (gnomAD no frequency). This variant has not been reported in the literature in individuals affected with MYL2-related conditions. ClinVar contains an entry for this variant (Variation ID: 532775). An algorithm developed to predict the effect of missense changes on protein structure and function (PolyPhen-2) suggests that this variant is likely to be tolerated. In summary, the available evidence is currently insufficient to determine the role of this variant in disease. Therefore, it has been classified as a Variant of Uncertain Significance.

All of Us Research Program, National Institutes of Health
Classification: Uncertain significance for Hypertrophic cardiomyopathy. Last evaluated: 2023-11-02. Review status: criteria provided, single submitter. Criteria: ACMG Guidelines, 2015. Collection method: clinical testing. Allele origin: germline. Inheritance: Autosomal dominant inheritance. Observed: 1 variant allele, 1 heterozygote.
Comment: This missense variant replaces asparagine with lysine at codon 14 of the MYL2 protein. Computational prediction suggests that this variant may not impact protein structure and function (internally defined REVEL score threshold <= 0.5, PMID: 27666373). To our knowledge, functional studies have not been reported for this variant. This variant has not been reported in individuals affected with MYL2-related disorders in the literature. This variant has not been identified in the general population by the Genome Aggregation Database (gnomAD). The available evidence is insufficient to determine the role of this variant in disease conclusively. Therefore, this variant is classified as a Variant of Uncertain Significance.

This study involves interpretation of variants in research participants for the purpose of population health screening. Participant phenotype was not available at the time of variant classification. Additional details can be found in publication PMID: 35346344, PMCID: PMC8962531

Ambry Genetics
Classification: Uncertain significance for Cardiovascular phenotype. Last evaluated: 2023-09-28. Review status: criteria provided, single submitter. Criteria: Ambry Variant Classification Scheme 2023. Collection method: clinical testing. Allele origin: germline.
Comment: The p.N14K variant (also known as c.42C>A), located in coding exon 2 of the MYL2 gene, results from a C to A substitution at nucleotide position 42. The asparagine at codon 14 is replaced by lysine, an amino acid with similar properties. This amino acid position is conserved. In addition, this alteration is predicted to be tolerated by in silico analysis. Since supporting evidence is limited at this time, the clinical significance of this alteration remains unclear.